The following is an entry in ClinVar:

ClinVar aggregate classification (germline): Uncertain significance (1 of 4 stars; one submission).

Conditions:
Arrhythmogenic right ventricular dysplasia 13. Also called: Arrhythmogenic right ventricular dysplasia, familial, 13; ARRHYTHMOGENIC RIGHT VENTRICULAR CARDIOMYOPATHY 13. Identifiers: MedGen C3810138, MONDO:0000908, OMIM 615616.

Submission:

Labcorp Genetics (formerly Invitae), Labcorp
Classification: Uncertain significance for Arrhythmogenic right ventricular dysplasia 13. Last evaluated: 2024-10-14. Review status: criteria provided, single submitter. Criteria: Invitae Variant Classification Sherloc (09022015). Collection method: clinical testing. Allele origin: germline.
Comment: This sequence change falls in intron 2 of the CTNNA3 gene. It does not directly change the encoded amino acid sequence of the CTNNA3 protein. It affects a nucleotide within the consensus splice site. This variant is not present in population databases (gnomAD no frequency). This variant has not been reported in the literature in individuals affected with CTNNA3-related conditions. ClinVar contains an entry for this variant (Variation ID: 945502). Variants that disrupt the consensus splice site are a relatively common cause of aberrant splicing (PMID: 17576681, 9536098). Algorithms developed to predict the effect of sequence changes on RNA splicing suggest that this variant may disrupt the consensus splice site. In summary, the available evidence is currently insufficient to determine the role of this variant in disease. Therefore, it has been classified as a Variant of Uncertain Significance.

Literature cited by the submitters: PubMed 17576681; PubMed 9536098.

NM_013266.4(CTNNA3):c.99+3A>G

Gene: CTNNA3 (catenin alpha 3; minus strand). Cytogenetic location: 10q21.3.
Variant type: single nucleotide variant.
Coding change: c.99+3A>G on transcript NM_013266.4 (MANE Select); 3 bases into the intron after coding-DNA position 99, A replaced by G.
Molecular consequence: intron variant.
Genome position (GRCh38, 1-based): chr10:67,647,412, T>C on the plus strand (A>G on the coding strand, the complement: CTNNA3 is on the minus strand). VCF-style: chr10-67647412-T-C. GRCh37 (hg19) VCF-style: chr10-69407170-T-C.
Other names: c.99+3A>G (NM_001127384.3); c.135+3A>G (NM_001291133.2).
Identifiers: ClinVar variation 945502 (VCV000945502.7), dbSNP rs1839749463, ClinGen allele CA1139661458.